The following is an entry in ClinVar:

ClinVar aggregate classification (germline): Uncertain significance. Review status: criteria provided, multiple submitters, no conflicts (2 of 4 stars). 2 submissions from 2 submitters: Uncertain significance (2). Last evaluated 2025-01-27.

Conditions:
Cardiovascular phenotype. Identifiers: MedGen CN230736.
ZNF469-related disorder. Also called: ZNF469-related condition.

Allele frequency attached by ClinVar (database versions not stated): TOPMed below 0.00001.
gnomAD v4.1: 2 of 1,547,054 alleles (0.00013%); highest among the groups gnomAD compares: South Asian, 0.0012%; no homozygotes.

Submissions (2):

PreventionGenetics, part of Exact Sciences
Classification: Uncertain significance for ZNF469-related condition. Last evaluated: 2025-01-27. Review status: criteria provided, single submitter. Criteria: ACMG Guidelines, 2015. Collection method: clinical testing. Allele origin: germline.
Comment: The ZNF469 c.1432C>G variant is predicted to result in the amino acid substitution p.Gln478Glu. To our knowledge, this variant has not been reported in the literature. This variant is reported in 0.0044% of alleles in individuals of South Asian descent in gnomAD. At this time, the clinical significance of this variant is uncertain due to the absence of conclusive functional and genetic evidence.

Ambry Genetics
Classification: Uncertain significance for Cardiovascular phenotype. Last evaluated: 2022-03-03. Review status: criteria provided, single submitter. Criteria: Ambry Variant Classification Scheme 2023. Collection method: clinical testing. Allele origin: germline.
Comment: The p.Q478E variant (also known as c.1432C>G), located in coding exon 1 of the ZNF469 gene, results from a C to G substitution at nucleotide position 1432. The glutamine at codon 478 is replaced by glutamic acid, an amino acid with highly similar properties. This amino acid position is conserved. In addition, this alteration is predicted to be tolerated by in silico analysis. Since supporting evidence is limited at this time, the clinical significance of this alteration remains unclear.

NM_001367624.2(ZNF469):c.1432C>G (p.Gln478Glu)

Gene: ZNF469 (zinc finger protein 469; plus strand). Cytogenetic location: 16q24.2.
Variant type: single nucleotide variant.
Coding change: c.1432C>G on transcript NM_001367624.2 (MANE Select); coding-DNA position 1432, C replaced by G.
Protein change: p.Gln478Glu; replaces glutamine 478 with glutamic acid.
Molecular consequence: missense variant.
Genome position (GRCh38, 1-based): chr16:88,428,902, C>G. VCF-style: chr16-88428902-C-G. GRCh37 (hg19) VCF-style: chr16-88495310-C-G.
Other names: NM_001127464.1:c.1432C>G; NM_001127464.2:c.1432C>G; short protein forms Q478E.
Identifiers: ClinVar variation 1772527 (VCV001772527.3), dbSNP rs1277913754, ClinGen allele CA397066783.